The following is an entry in ClinVar:

NM_021615.5(CHST6):c.301C>T (p.Leu101=)

Gene: CHST6 (carbohydrate sulfotransferase 6; minus strand). Cytogenetic location: 16q23.1.
Variant type: single nucleotide variant.
Coding change: c.301C>T on transcript NM_021615.5 (MANE Select); coding-DNA position 301, C replaced by T.
Protein change: p.Leu101=; no amino-acid change (leucine 101 retained).
Molecular consequence: synonymous variant.
Genome position (GRCh38, 1-based): chr16:75,479,528, G>A on the plus strand (C>T on the coding strand, the complement: CHST6 is on the minus strand). VCF-style: chr16-75479528-G-A. GRCh37 (hg19) VCF-style: chr16-75513426-G-A.
Identifiers: ClinVar variation 886988 (VCV000886988.16), dbSNP rs373160858, ClinGen allele CA8175532.

ClinVar aggregate classification (germline): Conflicting classifications of pathogenicity. Review status: criteria provided, conflicting classifications (1 of 4 stars). 4 submissions from 4 submitters: Uncertain significance (1); Likely benign (2). 1 of the submissions does not count toward it. Last evaluated 2025-12-29.

Conditions:
Macular corneal dystrophy (MCD). Also called: Macular corneal dystrophy Type I; GROENOUW TYPE II CORNEAL DYSTROPHY. Identifiers: Orphanet 98969, MedGen C1636149, MONDO:0009020, OMIM 217800.
CHST6-related disorder. Also called: CHST6-related condition.

Allele frequency attached by ClinVar (database versions not stated): ESP Exome Variant Server 0.00008; 1000 Genomes Project 30x 0.00016; gnomAD 0.00016 and 0.00019; TOPMed 0.00017; 1000 Genomes Project 0.00020; gnomAD exomes 0.00033 and 0.00034; ExAC 0.00038.
gnomAD v4.1: 508 of 1,612,974 alleles (0.031%); highest among the groups gnomAD compares: South Asian, 0.1%; no homozygotes.

Submissions (4):

Labcorp Genetics (formerly Invitae), Labcorp
Classification: Likely benign for Macular corneal dystrophy. Last evaluated: 2025-12-29. Review status: criteria provided, single submitter. Criteria: Invitae Variant Classification Sherloc (09022015). Collection method: clinical testing. Allele origin: germline.

Blueprint Genetics
Classification: Likely benign. Last evaluated: 2024-11-26. Review status: criteria provided, single submitter. Criteria: ACMG Guidelines, 2015. Collection method: clinical testing. Allele origin: germline.

Illumina Laboratory Services, Illumina
Classification: Uncertain significance for Macular corneal dystrophy. Last evaluated: 2018-01-12. Review status: criteria provided, single submitter. Criteria: ICSL Variant Classification Criteria 13 December 2019. Collection method: clinical testing. Allele origin: germline.

PreventionGenetics, part of Exact Sciences
Classification: Likely benign for CHST6-related condition. Last evaluated: 2021-02-24. Review status: no assertion criteria provided. Collection method: clinical testing. Allele origin: germline. Not counted in ClinVar's aggregate classification.
Comment: This variant is classified as likely benign based on ACMG/AMP sequence variant interpretation guidelines (Richards et al. 2015 PMID: 25741868, with internal and published modifications).